The following is an entry in ClinVar:

NM_000246.4(CIITA):c.5G>A (p.Arg2His)

Gene: CIITA (class II major histocompatibility complex transactivator; plus strand). Cytogenetic location: 16p13.13.
Variant type: single nucleotide variant.
Coding change: c.5G>A on transcript NM_000246.4 (MANE Select); coding-DNA position 5, G replaced by A.
Protein change: p.Arg2His; replaces arginine 2 with histidine.
Molecular consequence: missense variant. On other transcripts: non-coding transcript variant (1).
Genome position (GRCh38, 1-based): chr16:10,877,335, G>A. VCF-style: chr16-10877335-G-A. GRCh37 (hg19) VCF-style: chr16-10971192-G-A.
Other names: c.5G>A, p.Arg2His (NM_001286402.1, NM_001286403.2, NM_001379330.1 and 3 more transcripts); short protein forms R2H.
Identifiers: ClinVar variation 657102 (VCV000657102.11), dbSNP rs755048657, ClinGen allele CA7899526.

ClinVar aggregate classification (germline): Uncertain significance. Review status: criteria provided, multiple submitters, no conflicts (2 of 4 stars). 4 submissions from 4 submitters: Uncertain significance (3). 1 of the submissions does not count toward it. Last evaluated 2022-09-13.

Conditions:
MHC class II deficiency. Also called: Bare lymphocyte syndrome 2; BLS, TYPE II. Identifiers: Orphanet 572, MedGen C5447452, MONDO:0008855.
Inborn genetic diseases. Identifiers: MedGen C0950123, MeSH D030342.

Allele frequency attached by ClinVar (database versions not stated): ExAC 0.00013; gnomAD 0.00005 and 0.00006; TOPMed 0.00006; gnomAD exomes 0.00012.
gnomAD v4.1: 91 of 1,612,870 alleles (0.0056%); highest among the groups gnomAD compares: East Asian, 0.0067%; no homozygotes.

Submissions (4):

Labcorp Genetics (formerly Invitae), Labcorp
Classification: Uncertain significance for MHC class II deficiency. Last evaluated: 2022-09-13. Review status: criteria provided, single submitter. Criteria: Invitae Variant Classification Sherloc (09022015). Collection method: clinical testing. Allele origin: germline.
Comment: This sequence change replaces arginine, which is basic and polar, with histidine, which is basic and polar, at codon 2 of the CIITA protein (p.Arg2His). This variant is present in population databases (rs755048657, gnomAD 0.2%). This variant has not been reported in the literature in individuals affected with CIITA-related conditions. ClinVar contains an entry for this variant (Variation ID: 657102). Algorithms developed to predict the effect of missense changes on protein structure and function are either unavailable or do not agree on the potential impact of this missense change (SIFT: "Deleterious"; PolyPhen-2: "Possibly Damaging"; Align-GVGD: "Class C0"). In summary, the available evidence is currently insufficient to determine the role of this variant in disease. Therefore, it has been classified as a Variant of Uncertain Significance.

Ambry Genetics
Classification: Uncertain significance for Inborn genetic diseases. Last evaluated: 2022-04-08. Review status: criteria provided, single submitter. Criteria: Ambry Variant Classification Scheme 2023. Collection method: clinical testing. Allele origin: germline.

Illumina Laboratory Services, Illumina
Classification: Uncertain significance for MHC class II deficiency 1. Last evaluated: 2018-01-13. Review status: criteria provided, single submitter. Criteria: ICSL Variant Classification Criteria 13 December 2019. Collection method: clinical testing. Allele origin: germline.

Natera, Inc.
Classification: Uncertain significance for Bare lymphocyte syndrome type II. Last evaluated: 2020-02-01. Review status: no assertion criteria provided. Collection method: clinical testing. Allele origin: germline. Not counted in ClinVar's aggregate classification.